The following is an entry in ClinVar:

ClinVar aggregate classification (germline): Benign/Likely benign. Review status: criteria provided, multiple submitters, no conflicts (2 of 4 stars). 10 submissions from 10 submitters: Benign (6); Likely benign (1). 3 of the submissions do not count toward it. Last evaluated 2026-02-04.

Conditions:
Retinal dystrophy. Also called: Inherited retinal dystrophy. Identifiers: Orphanet 71862, MedGen C0854723, MeSH D058499, MONDO:0019118, HP:0000556.
Retinitis pigmentosa (RP). Identifiers: Orphanet 791, MedGen C0035334, MeSH D012174, MONDO:0019200, OMIM 268000. Inheritance: Autosomal dominant, autosomal recessive and X linked inheritance.
Retinitis pigmentosa 25 (RP25). Identifiers: Orphanet 791, MedGen C1864446, MONDO:0011272, OMIM 602772.

Allele frequency attached by ClinVar (database versions not stated): gnomAD exomes 0.13264 and 0.11876; 1000 Genomes Project 30x 0.09244; gnomAD 0.09842 and 0.10087; ExAC 0.10320; TOPMed 0.10467; 1000 Genomes Project 0.09385; ESP Exome Variant Server 0.10846.
gnomAD v4.1: 200,366 of 1,550,706 alleles (13%); highest among the groups gnomAD compares: East Asian, 15%; 13,830 homozygotes.

Submissions (10):

Labcorp Genetics (formerly Invitae), Labcorp
Classification: Benign. Last evaluated: 2026-02-04. Review status: criteria provided, single submitter. Criteria: Invitae Variant Classification Sherloc (09022015). Collection method: clinical testing. Allele origin: germline.

Women's Health and Genetics/Laboratory Corporation of America, LabCorp
Classification: Likely benign. Last evaluated: 2025-11-24. Review status: criteria provided, single submitter. Criteria: LabCorp Variant Classification Summary - May 2015. Collection method: clinical testing. Allele origin: germline.

Dept Of Ophthalmology, Nagoya University
Classification: Benign for Retinal dystrophy. Last evaluated: 2023-10-01. Review status: criteria provided, single submitter. Criteria: Submitter's publication. Collection method: research. Allele origin: germline. Affected: yes.

Genome-Nilou Lab
Classification: Benign for Retinitis pigmentosa 25. Last evaluated: 2021-07-01. Review status: criteria provided, single submitter. Criteria: ACMG Guidelines, 2015. Collection method: clinical testing. Allele origin: germline. Affected: no.

Illumina Laboratory Services, Illumina
Classification: Benign for Retinitis pigmentosa. Last evaluated: 2018-01-12. Review status: criteria provided, single submitter. Criteria: ICSL Variant Classification Criteria 13 December 2019. Collection method: clinical testing. Allele origin: germline.
Comment: This variant was observed in the ICSL laboratory as part of a predisposition screen in an ostensibly healthy population. It had not been previously curated by ICSL or reported in the Human Gene Mutation Database (HGMD: prior to June 1st, 2018), and was therefore a candidate for classification through an automated scoring system. Utilizing variant allele frequency, disease prevalence and penetrance estimates, and inheritance mode, an automated score was calculated to assess if this variant is too frequent to cause the disease. Based on the score and internal cut-off values, a variant classified as benign is not then subjected to further curation. The score for this variant resulted in a classification of benign for this disease.

Eurofins Ntd Llc (ga)
Classification: Benign. Last evaluated: 2013-09-19. Review status: criteria provided, single submitter. Criteria: EGL Classification Definitions 2015. Collection method: clinical testing. Allele origin: germline. Observed: 4 variant alleles, 4 heterozygotes.

GeneDx
Classification: Benign. Last evaluated: 2011-08-11. Review status: criteria provided, single submitter. Criteria: GeneDx Variant Classification (06012015). Collection method: clinical testing. Allele origin: germline. Affected: yes.
Comment: This variant is considered likely benign or benign based on one or more of the following criteria: it is a conservative change, it occurs at a poorly conserved position in the protein, it is predicted to be benign by multiple in silico algorithms, and/or has population frequency not consistent with disease.

Natera, Inc.
Classification: Benign for Retinitis pigmentosa. Last evaluated: 2020-09-16. Review status: no assertion criteria provided. Collection method: clinical testing. Allele origin: germline. Not counted in ClinVar's aggregate classification.

Clinical Genetics DNA and cytogenetics Diagnostics Lab, Erasmus MC, Erasmus Medical Center
Classification: Likely benign. Review status: no assertion criteria provided. Collection method: clinical testing. Allele origin: germline. Affected: yes. Study: VKGL Data-share Consensus. Not counted in ClinVar's aggregate classification.

Joint Genome Diagnostic Labs from Nijmegen and Maastricht, Radboudumc and MUMC+
Classification: Benign. Review status: no assertion criteria provided. Collection method: clinical testing. Allele origin: germline. Affected: yes. Study: VKGL Data-share Consensus. Not counted in ClinVar's aggregate classification.

NM_001142800.2(EYS):c.4543C>T (p.Arg1515Trp)

Gene: EYS (EGF-like photoreceptor maintenance factor; minus strand). Cytogenetic location: 6q12.
Variant type: single nucleotide variant.
Coding change: c.4543C>T on transcript NM_001142800.2 (MANE Select); coding-DNA position 4543, C replaced by T.
Protein change: p.Arg1515Trp; replaces arginine 1515 with tryptophan.
Molecular consequence: missense variant.
Genome position (GRCh38, 1-based): chr6:64,591,324, G>A on the plus strand (C>T on the coding strand, the complement: EYS is on the minus strand). VCF-style: chr6-64591324-G-A. GRCh37 (hg19) VCF-style: chr6-65301217-G-A.
Other names: p.R1515W:CGG>TGG; c.4543C>T (FM209056.1); c.4543C>T, p.Arg1515Trp (NM_001292009.2); short protein forms R1515W.
Identifiers: ClinVar variation 93613 (VCV000093613.26), dbSNP rs62415827, ClinGen allele CA147147.
Genomic context (GRCh38, chr6:64,591,324, plus strand): 5'-TGCTTGAAGCCTCAGTAATAGCCTGATATTCACTGGGATTGAAGGCTTTTGTACTGAACC[G>A]GTGCAGAGCTGATGAGTTTAAGATGGTTACCTGTTTAGATATAATTACCTTAGCAGGAAA-3'
Protein context (NP_001136272.1, residues 1505-1525): VTILNSSALH[Arg1515Trp]FSTKAFNPSE